The following is an entry in ClinVar:

ClinVar aggregate classification (germline): Likely benign (1 of 4 stars; one submission).

gnomAD v4.1: 1,725 of 1,614,084 alleles (0.11%); highest among the groups gnomAD compares: Non-Finnish European, 0.14%; 2 homozygotes.

Submission:

CeGaT Center for Human Genetics Tuebingen
Classification: Likely benign. Last evaluated: 2025-09-01. Review status: criteria provided, single submitter. Criteria: CeGaT Center For Human Genetics Tuebingen Variant Classification Criteria Version 2. Collection method: clinical testing. Allele origin: germline. Affected: yes. Observed: 1 variant allele.
Comment: LRRC7: BP4, BP7

NM_001370785.2(LRRC7):c.2763A>G (p.Glu921=)

Genes: LRRC7 (leucine rich repeat containing 7; plus strand), LRRC7-AS1 (LRRC7 antisense RNA 1; minus strand). Cytogenetic location: 1p31.1.
Variant type: single nucleotide variant.
Coding change: c.2763A>G on transcript NM_001370785.2 (MANE Select); coding-DNA position 2763, A replaced by G.
Protein change: p.Glu921=; no amino-acid change (glutamic acid 921 retained).
Molecular consequence: synonymous variant. On other transcripts: non-coding transcript variant (1).
Genome position (GRCh38, 1-based): chr1:70,038,587, A>G. VCF-style: chr1-70038587-A-G. GRCh37 (hg19) VCF-style: chr1-70504270-A-G.
Other names: c.2664A>G, p.Glu888= (NM_001330635.3, NM_001366841.1); c.2766A>G, p.Glu922= (NM_001350216.3); c.2763A>G, p.Glu921= (NM_001366838.3); c.2604A>G, p.Glu868= (NM_001366839.3).
Identifiers: ClinVar variation 4280905 (VCV004280905.7).
Genomic context (GRCh38, chr1:70,038,587, plus strand): 5'-GACAACCCCCACTACCAGCCCATTGCCTGAAAGGAAAGAACATATAAAGGAATCTACTGA[A>G]ATACCTAGTCCTTTTTCTCCAGGCGTACCATGGGAGTATCATGATTCCAATCCCAACAGG-3'
Protein context (NP_001357714.1, residues 911-931): ERKEHIKEST[Glu921=]IPSPFSPGVP